The following is an entry in ClinVar:

NM_006662.3(SRCAP):c.6941G>A (p.Arg2314His)

Gene: SRCAP (Snf2 related CREBBP activator protein; plus strand). Cytogenetic location: 16p11.2.
Variant type: single nucleotide variant.
Coding change: c.6941G>A on transcript NM_006662.3 (MANE Select); coding-DNA position 6941, G replaced by A.
Protein change: p.Arg2314His; replaces arginine 2314 with histidine.
Molecular consequence: missense variant.
Genome position (GRCh38, 1-based): chr16:30,736,557, G>A. VCF-style: chr16-30736557-G-A. GRCh37 (hg19) VCF-style: chr16-30747878-G-A.
Other names: short protein forms R2314H.
Identifiers: ClinVar variation 1907895 (VCV001907895.6), dbSNP rs774988634, ClinGen allele CA8012378.
Genomic context (GRCh38, chr16:30,736,557, plus strand): 5'-GGGTACCAGGTTCCTAAGTTTATCACCACCGCTCCTCCTTGCAGCTGACCCCCATTGAGC[G>A]CTATGCCATGAAATTCCTGGAGGCCTCACTGGAGGAGGTGAGCCGAGAGGAGCTCAAACA-3'
Protein context (NP_006653.2, residues 2304-2324): ALVEQLTPIE[Arg2314His]YAMKFLEASL

ClinVar aggregate classification (germline): Uncertain significance. Review status: criteria provided, multiple submitters, no conflicts (2 of 4 stars). 2 submissions from 2 submitters: Uncertain significance (2). Last evaluated 2024-08-15.

Conditions:
Developmental delay, hypotonia, musculoskeletal defects, and behavioral abnormalities. Identifiers: MedGen C5562012, MONDO:0859202, OMIM 619595.
Floating-Harbor syndrome (FLHS). Also called: SRCAP-Related Floating-Harbor Syndrome; Short stature with delayed bone age, expressive language delay, a triangular face with a prominent nose and deep-set eyes; Pelletier-Leisti syndrome. Identifiers: Orphanet 2044, MedGen C0729582, MONDO:0007621, OMIM 136140.

Allele frequency attached by ClinVar (database versions not stated): TOPMed below 0.00001; ExAC 0.00001; gnomAD 0.00001.
gnomAD v4.1: 28 of 1,614,058 alleles (0.0017%); highest among the groups gnomAD compares: African/African-American, 0.0027%; no homozygotes.

Submissions (2):

Labcorp Genetics (formerly Invitae), Labcorp
Classification: Uncertain significance. Last evaluated: 2024-08-15. Review status: criteria provided, single submitter. Criteria: Invitae Variant Classification Sherloc (09022015). Collection method: clinical testing. Allele origin: germline.
Comment: This sequence change replaces arginine, which is basic and polar, with histidine, which is basic and polar, at codon 2314 of the SRCAP protein (p.Arg2314His). This variant is present in population databases (rs774988634, gnomAD 0.003%). This variant has not been reported in the literature in individuals affected with SRCAP-related conditions. ClinVar contains an entry for this variant (Variation ID: 1907895). Invitae Evidence Modeling of protein sequence and biophysical properties (such as structural, functional, and spatial information, amino acid conservation, physicochemical variation, residue mobility, and thermodynamic stability) indicates that this missense variant is not expected to disrupt SRCAP protein function with a negative predictive value of 80%. In summary, the available evidence is currently insufficient to determine the role of this variant in disease. Therefore, it has been classified as a Variant of Uncertain Significance.

Fulgent Genetics
Classification: Uncertain significance for Floating-Harbor syndrome; Developmental delay, hypotonia, musculoskeletal defects, and behavioral abnormalities. Last evaluated: 2024-04-15. Review status: criteria provided, single submitter. Criteria: ACMG Guidelines, 2015. Collection method: clinical testing. Allele origin: germline.